The following is an entry in ClinVar:

ClinVar aggregate classification (germline): Conflicting classifications of pathogenicity. Review status: criteria provided, conflicting classifications (1 of 4 stars). 2 submissions from 2 submitters: Uncertain significance (1); Likely benign (1). Last evaluated 2023-03-23.

Conditions:
Hereditary breast ovarian cancer syndrome. Also called: Hereditary breast and ovarian cancer; Hereditary breast and ovarian cancer syndrome; BRCA1- and BRCA2-Associated Hereditary Breast and Ovarian Cancer; Hereditary breast and ovarian cancer syndrome (HBOC); Breast and ovarian cancer; Hereditary breast and/or ovarian cancer syndrome. Identifiers: Orphanet 145, MedGen C0677776, MeSH D061325, MONDO:0003582. Disease mechanism: loss of function.
Hereditary cancer-predisposing syndrome. Also called: Hereditary Cancer Syndrome; Tumor predisposition; Hereditary neoplastic syndrome; Neoplastic Syndromes, Hereditary. Identifiers: Orphanet 140162, MedGen C0027672, MeSH D009386, MONDO:0015356.

Allele frequency attached by ClinVar (database versions not stated): gnomAD exomes below 0.00001.
gnomAD v4.1: 4 of 1,613,258 alleles (0.00025%); highest among the groups gnomAD compares: South Asian, 0.0022%; no homozygotes.

Submissions (2):

University of Washington Department of Laboratory Medicine, University of Washington
Classification: Likely benign for Hereditary cancer-predisposing syndrome. Last evaluated: 2023-03-23. Review status: criteria provided, single submitter. Criteria: Dines et al. (Genet Med. 2020). Collection method: curation. Allele origin: germline.
Comment: Missense variant in a coldspot region where missense variants are very unlikely to be pathogenic (PMID:31911673).

BRCA1 coldspot (exon 11 using historical exon numbering). Reclassification based on statistical prior probability

Labcorp Genetics (formerly Invitae), Labcorp
Classification: Uncertain significance for Hereditary breast ovarian cancer syndrome. Last evaluated: 2019-04-19. Review status: criteria provided, single submitter. Criteria: Invitae Variant Classification Sherloc (09022015). Collection method: clinical testing. Allele origin: germline.
Comment: This sequence change replaces tyrosine with cysteine at codon 1113 of the BRCA1 protein (p.Tyr1113Cys). The tyrosine residue is weakly conserved and there is a large physicochemical difference between tyrosine and cysteine. This variant is not present in population databases (ExAC no frequency). This variant has not been reported in the literature in individuals with BRCA1-related conditions. Algorithms developed to predict the effect of missense changes on protein structure and function (SIFT, PolyPhen-2, Align-GVGD) all suggest that this variant is likely to be tolerated, but these predictions have not been confirmed by published functional studies and their clinical significance is uncertain. In summary, the available evidence is currently insufficient to determine the role of this variant in disease. Therefore, it has been classified as a Variant of Uncertain Significance.

NM_007294.4(BRCA1):c.3338A>G (p.Tyr1113Cys)

Genes: BRCA1 (BRCA1 DNA repair associated; minus strand), LOC126862571 (BRD4-independent group 4 enhancer GRCh37_chr17:41243136-41244335; plus strand). Cytogenetic location: 17q21.31.
Variant type: single nucleotide variant.
Coding change: c.3338A>G on transcript NM_007294.4 (MANE Select); coding-DNA position 3338, A replaced by G.
Protein change: p.Tyr1113Cys; replaces tyrosine 1113 with cysteine.
Molecular consequence: missense variant. On other transcripts: intron variant (137).
Genome position (GRCh38, 1-based): chr17:43,092,193, T>C on the plus strand (A>G on the coding strand, the complement: BRCA1 is on the minus strand). VCF-style: chr17-43092193-T-C. GRCh37 (hg19) VCF-style: chr17-41244210-T-C.
Other names: c.3215A>G, p.Tyr1072Cys (NM_001407665.1, NM_001407666.1, NM_001407667.1 and 19 more transcripts); c.3212A>G, p.Tyr1071Cys (NM_001407670.1, NM_001407671.1, NM_001407672.1 and 11 more transcripts); c.3197A>G, p.Tyr1066Cys (NM_001407724.1, NM_001407725.1, NM_001407692.1 and 29 more transcripts); c.3338A>G, p.Tyr1113Cys (NM_001407684.1, NM_001407581.1, NM_001407582.1 and 30 more transcripts); c.3125A>G, p.Tyr1042Cys (NM_001407571.1, NM_001407853.1, NM_001407894.1 and 9 more transcripts); c.3335A>G, p.Tyr1112Cys (NM_001407587.1, NM_001407590.1, NM_001407591.1 and 22 more transcripts); c.3329A>G, p.Tyr1110Cys (NM_001407646.1, NM_001407647.1); c.3260A>G, p.Tyr1087Cys (NM_001407653.1, NM_001407654.1, NM_001407655.1 and 4 more transcripts); and 41 more; short protein forms Y1113C, Y1066C, Y1002C, Y1042C, Y1043C, Y1046C, Y1065C, Y1087C.
Identifiers: ClinVar variation 644849 (VCV000644849.14), dbSNP rs1225577943, ClinGen allele CA10595300.